The following is an entry in ClinVar:

ClinVar aggregate classification (germline): Uncertain significance (1 of 4 stars; one submission).

Submission:

Labcorp Genetics (formerly Invitae), Labcorp
Classification: Uncertain significance. Last evaluated: 2022-01-13. Review status: criteria provided, single submitter. Criteria: Invitae Variant Classification Sherloc (09022015). Collection method: clinical testing. Allele origin: germline.
Comment: This sequence change replaces methionine, which is neutral and non-polar, with isoleucine, which is neutral and non-polar, at codon 535 of the ATR protein (p.Met535Ile). This variant is not present in population databases (gnomAD no frequency). This variant has not been reported in the literature in individuals affected with ATR-related conditions. Algorithms developed to predict the effect of missense changes on protein structure and function (SIFT, PolyPhen-2, Align-GVGD) all suggest that this variant is likely to be tolerated. In summary, the available evidence is currently insufficient to determine the role of this variant in disease. Therefore, it has been classified as a Variant of Uncertain Significance.

NM_001184.4(ATR):c.1605G>A (p.Met535Ile)

Gene: ATR (ATR checkpoint kinase; minus strand). Cytogenetic location: 3q23.
Variant type: single nucleotide variant.
Coding change: c.1605G>A on transcript NM_001184.4 (MANE Select); coding-DNA position 1605, G replaced by A.
Protein change: p.Met535Ile; replaces methionine 535 with isoleucine.
Molecular consequence: missense variant.
Genome position (GRCh38, 1-based): chr3:142,559,378, C>T on the plus strand (G>A on the coding strand, the complement: ATR is on the minus strand). VCF-style: chr3-142559378-C-T. GRCh37 (hg19) VCF-style: chr3-142278220-C-T.
Other names: c.1413G>A, p.Met471Ile (NM_001354579.2); short protein forms M471I, M535I.
Identifiers: ClinVar variation 2075690 (VCV002075690.4), dbSNP rs2108480202, ClinGen allele CA354822333.
Genomic context (GRCh38, chr3:142,559,378, plus strand): 5'-CTGAACAGATTCTAACAAACTTCTACAGCTCTTAAGCACTTTTGTGTAAAAATCCAATGA[C>T]ATCCAAGTTATCACTACAGAAGGTTTCTTCTTGGATTTATGTTGACAGTCCTTGAAAGTA-3'
Protein context (NP_001175.2, residues 525-545): KKKPSVVITW[Met535Ile]SLDFYTKVLK